The following is an entry in ClinVar:

ClinVar aggregate classification (germline): Uncertain significance (1 of 4 stars; one submission).

Conditions:
Fanconi anemia complementation group J. Also called: BRIP1-Related Fanconi Anemia. Identifiers: Orphanet 84, MedGen C1836860, MONDO:0012187, OMIM 609054.
Familial cancer of breast. Also called: BREAST CANCER, FAMILIAL; Hereditary breast cancer; hereditary breast carcinoma. Identifiers: Orphanet 227535, MedGen C0346153, MONDO:0016419, OMIM 114480. Disease mechanism: loss of function.

Submission:

Labcorp Genetics (formerly Invitae), Labcorp
Classification: Uncertain significance for Familial cancer of breast; Fanconi anemia complementation group J. Last evaluated: 2023-03-02. Review status: criteria provided, single submitter. Criteria: Invitae Variant Classification Sherloc (09022015). Collection method: clinical testing. Allele origin: germline.
Comment: In summary, the available evidence is currently insufficient to determine the role of this variant in disease. Therefore, it has been classified as a Variant of Uncertain Significance. Advanced modeling of protein sequence and biophysical properties (such as structural, functional, and spatial information, amino acid conservation, physicochemical variation, residue mobility, and thermodynamic stability) performed at Invitae indicates that this missense variant is not expected to disrupt BRIP1 protein function. This variant has not been reported in the literature in individuals affected with BRIP1-related conditions. This variant is not present in population databases (gnomAD no frequency). This sequence change replaces alanine, which is neutral and non-polar, with aspartic acid, which is acidic and polar, at codon 485 of the BRIP1 protein (p.Ala485Asp).

NM_032043.3(BRIP1):c.1454C>A (p.Ala485Asp)

Gene: BRIP1 (BRCA1 interacting DNA helicase 1; minus strand). Cytogenetic location: 17q23.2.
Variant type: single nucleotide variant.
Coding change: c.1454C>A on transcript NM_032043.3 (MANE Select); coding-DNA position 1454, C replaced by A.
Protein change: p.Ala485Asp; replaces alanine 485 with aspartic acid.
Molecular consequence: missense variant.
Genome position (GRCh38, 1-based): chr17:61,793,616, G>T on the plus strand (C>A on the coding strand, the complement: BRIP1 is on the minus strand). VCF-style: chr17-61793616-G-T. GRCh37 (hg19) VCF-style: chr17-59870977-G-T.
Other names: short protein forms A485D.
Identifiers: ClinVar variation 2944875 (VCV002944875.3), dbSNP rs2145239707, ClinGen allele CA400482071.
Genomic context (GRCh38, chr17:61,793,616, plus strand): 5'-AATTCACTAAATACGTTTCACAGGTAGAAAAAATATCTTACCTGCAAAATGGGAAAAGTA[G>T]CAGTGGTGATACCCATTTTGTGTAAAGTTAAGAGCATTTCATTTCCACTCCATATTTTAC-3'
Protein context (NP_114432.2, residues 475-495): LTLHKMGITT[Ala485Asp]TFPILQGHFS